The following is an entry in ClinVar:

NM_021008.4(DEAF1):c.650A>G (p.Asn217Ser)

Gene: DEAF1 (DEAF1 transcription factor; minus strand). Cytogenetic location: 11p15.5.
Variant type: single nucleotide variant.
Coding change: c.650A>G on transcript NM_021008.4 (MANE Select); coding-DNA position 650, A replaced by G.
Protein change: p.Asn217Ser; replaces asparagine 217 with serine.
Molecular consequence: missense variant. On other transcripts: 5 prime UTR variant (1).
Genome position (GRCh38, 1-based): chr11:687,925, T>C on the plus strand (A>G on the coding strand, the complement: DEAF1 is on the minus strand). VCF-style: chr11-687925-T-C. GRCh37 (hg19) VCF-style: chr11-687925-T-C.
Other names: c.650A>G, p.Asn217Ser (NM_001293634.2); c.-77A>G (NM_001367390.1); short protein forms N217S.
Identifiers: ClinVar variation 2122254 (VCV002122254.4), dbSNP rs2494455060, ClinGen allele CA378933346.

ClinVar aggregate classification (germline): Uncertain significance (1 of 4 stars; one submission).

Submission:

Labcorp Genetics (formerly Invitae), Labcorp
Classification: Uncertain significance. Last evaluated: 2022-08-23. Review status: criteria provided, single submitter. Criteria: Invitae Variant Classification Sherloc (09022015). Collection method: clinical testing. Allele origin: germline.
Comment: This sequence change replaces asparagine, which is neutral and polar, with serine, which is neutral and polar, at codon 217 of the DEAF1 protein (p.Asn217Ser). This variant is not present in population databases (gnomAD no frequency). In summary, the available evidence is currently insufficient to determine the role of this variant in disease. Therefore, it has been classified as a Variant of Uncertain Significance. Advanced modeling of protein sequence and biophysical properties (such as structural, functional, and spatial information, amino acid conservation, physicochemical variation, residue mobility, and thermodynamic stability) performed at Invitae indicates that this missense variant is not expected to disrupt DEAF1 protein function. This variant has not been reported in the literature in individuals affected with DEAF1-related conditions.